The following is an entry in ClinVar:

NM_001844.5(COL2A1):c.2673C>G (p.Gly891=)

Gene: COL2A1 (collagen type II alpha 1 chain; minus strand). Cytogenetic location: 12q13.11.
Variant type: single nucleotide variant.
Coding change: c.2673C>G on transcript NM_001844.5 (MANE Select); coding-DNA position 2673, C replaced by G.
Protein change: p.Gly891=; no amino-acid change (glycine 891 retained).
Molecular consequence: synonymous variant.
Genome position (GRCh38, 1-based): chr12:47,980,015, G>C on the plus strand (C>G on the coding strand, the complement: COL2A1 is on the minus strand). VCF-style: chr12-47980015-G-C. GRCh37 (hg19) VCF-style: chr12-48373798-G-C.
Other names: p.Gly891=; c.2466C>G, p.Gly822= (NM_033150.3).
Identifiers: ClinVar variation 93789 (VCV000093789.29), dbSNP rs41272029, ClinGen allele CA147295.

ClinVar aggregate classification (germline): Benign/Likely benign. Review status: criteria provided, multiple submitters, no conflicts (2 of 4 stars). 14 submissions from 13 submitters: Benign (10); Likely benign (1). 3 of the submissions do not count toward it. Last evaluated 2026-05-11.

Conditions:
Connective tissue disorder. Also called: Connective tissue disease. Identifiers: MedGen C0009782, MONDO:0003900.
Type 2 collagenopathy. Identifiers: Orphanet 93421, MedGen C2931073, MONDO:0022800.
Stickler syndrome type 1 (STL1). Also called: STICKLER SYNDROME, MEMBRANOUS VITREOUS TYPE; STICKLER SYNDROME, VITREOUS TYPE 1; ARTHROOPHTHALMOPATHY, HEREDITARY PROGRESSIVE; COL2A1-Related Stickler Syndrome. Identifiers: Orphanet 828, Orphanet 90653, MedGen C2020284, MONDO:0007160, OMIM 108300.

Allele frequency attached by ClinVar (database versions not stated): ESP Exome Variant Server 0.00518; TOPMed 0.01264; ExAC 0.01470; 1000 Genomes Project 30x 0.02670; 1000 Genomes Project 0.02995.
gnomAD v4.1: 27,548 of 1,554,866 alleles (1.8%); highest among the groups gnomAD compares: East Asian, 14%; 624 homozygotes.

Submissions (14):

Women's Health and Genetics/Laboratory Corporation of America, LabCorp
Classification: Benign. Last evaluated: 2026-05-11. Review status: criteria provided, single submitter. Criteria: LabCorp Variant Classification Summary - May 2015. Collection method: clinical testing. Allele origin: germline.

Labcorp Genetics (formerly Invitae), Labcorp
Classification: Benign. Last evaluated: 2026-02-04. Review status: criteria provided, single submitter. Criteria: Invitae Variant Classification Sherloc (09022015). Collection method: clinical testing. Allele origin: germline.

Blueprint Genetics
Classification: Likely benign. Last evaluated: 2024-11-27. Review status: criteria provided, single submitter. Criteria: ACMG Guidelines, 2015. Collection method: clinical testing. Allele origin: germline.

Genome Diagnostics Laboratory, The Hospital for Sick Children
Classification: Benign for Connective tissue disorder. Last evaluated: 2022-05-26. Review status: criteria provided, single submitter. Criteria: ACMG Guidelines, 2015. Collection method: clinical testing. Allele origin: germline.

Mayo Clinic Laboratories, Mayo Clinic
Classification: Benign. Last evaluated: 2022-01-21. Review status: criteria provided, single submitter. Criteria: ACMG Guidelines, 2015. Collection method: clinical testing. Allele origin: germline. Observed: 4 variant alleles.

Illumina Laboratory Services, Illumina
Classification: Benign for Stickler syndrome type 1. Last evaluated: 2018-01-12. Review status: criteria provided, single submitter. Criteria: ICSL Variant Classification Criteria 13 December 2019. Collection method: clinical testing. Allele origin: germline.
Comment: This variant was observed in the ICSL laboratory as part of a predisposition screen in an ostensibly healthy population. It had not been previously curated by ICSL or reported in the Human Gene Mutation Database (HGMD: prior to June 1st, 2018), and was therefore a candidate for classification through an automated scoring system. Utilizing variant allele frequency, disease prevalence and penetrance estimates, and inheritance mode, an automated score was calculated to assess if this variant is too frequent to cause the disease. Based on the score and internal cut-off values, a variant classified as benign is not then subjected to further curation. The score for this variant resulted in a classification of benign for this disease.

Illumina Laboratory Services, Illumina
Classification: Benign for Type II Collagenopathies. Last evaluated: 2018-01-12. Review status: criteria provided, single submitter. Criteria: ICSL Variant Classification Criteria 13 December 2019. Collection method: clinical testing. Allele origin: germline.
Comment: the same text as in the submission from Illumina Laboratory Services, Illumina above.

GeneDx
Classification: Benign. Last evaluated: 2016-10-06. Review status: criteria provided, single submitter. Criteria: GeneDx Variant Classification (06012015). Collection method: clinical testing. Allele origin: germline. Affected: yes.
Comment: This variant is considered likely benign or benign based on one or more of the following criteria: it is a conservative change, it occurs at a poorly conserved position in the protein, it is predicted to be benign by multiple in silico algorithms, and/or has population frequency not consistent with disease.

Eurofins Ntd Llc (ga)
Classification: Benign. Last evaluated: 2013-07-25. Review status: criteria provided, single submitter. Criteria: EGL Classification Definitions 2015. Collection method: clinical testing. Allele origin: germline. Observed: 2 variant alleles, 2 heterozygotes.

Breakthrough Genomics
Classification: Benign. Review status: criteria provided, single submitter. Criteria: ACMG Guidelines, 2015. Collection method: not provided. Allele origin: germline. Inheritance: Autosomal dominant inheritance. Affected: yes.

PreventionGenetics, part of Exact Sciences
Classification: Benign. Review status: criteria provided, single submitter. Criteria: ACMG Guidelines, 2015. Collection method: clinical testing. Allele origin: germline.

Genome Diagnostics Laboratory, Amsterdam University Medical Center
Classification: Benign. Review status: no assertion criteria provided. Collection method: clinical testing. Allele origin: germline. Affected: yes. Study: VKGL Data-share Consensus. Not counted in ClinVar's aggregate classification.

Joint Genome Diagnostic Labs from Nijmegen and Maastricht, Radboudumc and MUMC+
Classification: Benign. Review status: no assertion criteria provided. Collection method: clinical testing. Allele origin: germline. Affected: yes. Study: VKGL Data-share Consensus. Not counted in ClinVar's aggregate classification.

Laboratory of Diagnostic Genome Analysis, Leiden University Medical Center (LUMC)
Classification: Likely benign. Review status: no assertion criteria provided. Collection method: clinical testing. Allele origin: germline. Affected: yes. Study: VKGL Data-share Consensus. Not counted in ClinVar's aggregate classification.